The following is an entry in ClinVar:

ClinVar aggregate classification (germline): Uncertain significance. Review status: criteria provided, multiple submitters, no conflicts (2 of 4 stars). 2 submissions from 2 submitters: Uncertain significance (2). Last evaluated 2024-12-10.

Conditions:
Inborn genetic diseases. Identifiers: MedGen C0950123, MeSH D030342.

Submissions (2):

Ambry Genetics
Classification: Uncertain significance for Inborn genetic diseases. Last evaluated: 2024-12-10. Review status: criteria provided, single submitter. Criteria: Ambry Variant Classification Scheme 2023. Collection method: clinical testing. Allele origin: germline.

Labcorp Genetics (formerly Invitae), Labcorp
Classification: Uncertain significance. Last evaluated: 2024-08-20. Review status: criteria provided, single submitter. Criteria: Invitae Variant Classification Sherloc (09022015). Collection method: clinical testing. Allele origin: germline.
Comment: This sequence change replaces histidine, which is basic and polar, with glutamine, which is neutral and polar, at codon 936 of the PTPN23 protein (p.His936Gln). This variant is present in population databases (no rsID available, gnomAD no frequency). This variant has not been reported in the literature in individuals affected with PTPN23-related conditions. An algorithm developed to predict the effect of missense changes on protein structure and function outputs the following: PolyPhen-2: "Not Available". The glutamine amino acid residue is found in multiple mammalian species, which suggests that this missense change does not adversely affect protein function. In summary, the available evidence is currently insufficient to determine the role of this variant in disease. Therefore, it has been classified as a Variant of Uncertain Significance.

NM_015466.4(PTPN23):c.2808C>A (p.His936Gln)

Gene: PTPN23 (protein tyrosine phosphatase non-receptor type 23; plus strand). Cytogenetic location: 3p21.31.
Variant type: single nucleotide variant.
Coding change: c.2808C>A on transcript NM_015466.4 (MANE Select); coding-DNA position 2808, C replaced by A.
Protein change: p.His936Gln; replaces histidine 936 with glutamine.
Molecular consequence: missense variant.
Genome position (GRCh38, 1-based): chr3:47,410,606, C>A. VCF-style: chr3-47410606-C-A. GRCh37 (hg19) VCF-style: chr3-47452096-C-A.
Other names: c.2430C>A, p.His810Gln (NM_001304482.2); short protein forms H936Q, H810Q.
Identifiers: ClinVar variation 3427862 (VCV003427862.3).
Genomic context (GRCh38, chr3:47,410,606, plus strand): 5'-GCCACTGCCCACGCCTTACACCTACCCTGCAGGGGCTAAGCAACCCATCCCGGCACAGCA[C>A]CACTTCTCTTCTGGGATCCCCGCAGGTTTTCCAGCCCCAAGGATTGGGCCCCAGCCCCAG-3'
Protein context (NP_056281.1, residues 926-946): AGAKQPIPAQ[His936Gln]HFSSGIPAGF